The following is an entry in ClinVar:

ClinVar aggregate classification (germline): Pathogenic (1 of 4 stars; one submission).

Conditions:
Amyotrophic lateral sclerosis type 6. Also called: FUS-Related Amyotrophic Laterial Sclerosis; AMYOTROPHIC LATERAL SCLEROSIS 6 WITHOUT FRONTOTEMPORAL DEMENTIA; Amyotrophic lateral sclerosis 6, with or without frontotemporal dementia. Identifiers: Orphanet 275872, Orphanet 803, MedGen C2931786, MONDO:0011951, OMIM 608030.
Tremor, hereditary essential, 4 (ETM4). Identifiers: MedGen C3539195, MONDO:0013888, OMIM 614782.

Submission:

Labcorp Genetics (formerly Invitae), Labcorp
Classification: Pathogenic for Tremor, hereditary essential, 4; Amyotrophic lateral sclerosis type 6. Last evaluated: 2024-09-14. Review status: criteria provided, single submitter. Criteria: Invitae Variant Classification Sherloc (09022015). Collection method: clinical testing. Allele origin: germline.
Comment: This sequence change replaces arginine, which is basic and polar, with serine, which is neutral and polar, at codon 514 of the FUS protein (p.Arg514Ser). This variant is not present in population databases (gnomAD no frequency). This missense change has been observed in individuals with amyotrophic lateral sclerosis (PMID: 19450904, 20577002, 22057404). It has also been observed to segregate with disease in related individuals. An algorithm developed to predict the effect of missense changes on protein structure and function (PolyPhen-2) suggests that this variant is likely to be disruptive. Experimental studies have shown that this missense change affects FUS function (PMID: 21280085, 22057404). Algorithms developed to predict the effect of sequence changes on RNA splicing suggest that this variant may disrupt the consensus splice site. For these reasons, this variant has been classified as Pathogenic.

Literature cited by the submitters: PubMed 19450904; PubMed 20577002; PubMed 22057404; PubMed 21280085.

NM_004960.4(FUS):c.1542G>T (p.Arg514Ser)

Gene: FUS (FUS RNA binding protein; plus strand). Cytogenetic location: 16p11.2.
Variant type: single nucleotide variant.
Coding change: c.1542G>T on transcript NM_004960.4 (MANE Select); coding-DNA position 1542, G replaced by T.
Protein change: p.Arg514Ser; replaces arginine 514 with serine.
Molecular consequence: missense variant. On other transcripts: non-coding transcript variant (1).
Genome position (GRCh38, 1-based): chr16:31,191,399, G>T. VCF-style: chr16-31191399-G-T. GRCh37 (hg19) VCF-style: chr16-31202720-G-T.
Other names: c.1539G>T, p.Arg513Ser (NM_001170634.1); c.1530G>T, p.Arg510Ser (NM_001170937.1); short protein forms R510S, R513S, R514S.
Identifiers: ClinVar variation 3759352 (VCV003759352.2).